The following is an entry in ClinVar:

NM_000051.4(ATM):c.8860T>G (p.Tyr2954Asp)

Genes: ATM (ATM serine/threonine kinase; plus strand), C11orf65 (chromosome 11 open reading frame 65; minus strand). Cytogenetic location: 11q22.3.
Variant type: single nucleotide variant.
Coding change: c.8860T>G on transcript NM_000051.4 (MANE Select); coding-DNA position 8860, T replaced by G.
Protein change: p.Tyr2954Asp; replaces tyrosine 2954 with aspartic acid.
Molecular consequence: missense variant. On other transcripts: intron variant (2).
Genome position (GRCh38, 1-based): chr11:108,365,091, T>G. VCF-style: chr11-108365091-T-G. GRCh37 (hg19) VCF-style: chr11-108235818-T-G.
Other names: c.8860T>G, p.Tyr2954Asp (NM_001351834.2); c.640+20829A>C (NM_001330368.2); c.694+20829A>C (NM_001351110.2); short protein forms Y2954D.
Identifiers: ClinVar variation 2718099 (VCV002718099.3), dbSNP rs371619067, ClinGen allele CA382529569.

ClinVar aggregate classification (germline): Uncertain significance (1 of 4 stars; one submission).

Conditions:
Ataxia-telangiectasia syndrome (AT). Also called: LOUIS-BAR SYNDROME; Cerebello-oculocutaneous telangiectasia; Immunodeficiency with ataxia telangiectasia; Ataxia telangiectasia (A-T); Ataxia-telangiectasia, complementation group D; AT, COMPLEMENTATION GROUP C. Identifiers: Orphanet 100, MedGen C0004135, MONDO:0008840, OMIM 208900.

Submission:

Labcorp Genetics (formerly Invitae), Labcorp
Classification: Uncertain significance for Ataxia-telangiectasia syndrome. Last evaluated: 2023-04-09. Review status: criteria provided, single submitter. Criteria: Invitae Variant Classification Sherloc (09022015). Collection method: clinical testing. Allele origin: germline.
Comment: This variant is not present in population databases (gnomAD no frequency). This variant has not been reported in the literature in individuals affected with ATM-related conditions. An algorithm developed to predict the effect of missense changes on protein structure and function (PolyPhen-2) suggests that this variant is likely to be disruptive. In summary, the available evidence is currently insufficient to determine the role of this variant in disease. Therefore, it has been classified as a Variant of Uncertain Significance. This sequence change replaces tyrosine, which is neutral and polar, with aspartic acid, which is acidic and polar, at codon 2954 of the ATM protein (p.Tyr2954Asp).